The following is an entry in ClinVar:

ClinVar aggregate classification (germline): Uncertain significance. Review status: criteria provided, multiple submitters, no conflicts (2 of 4 stars). 2 submissions from 2 submitters: Uncertain significance (2). Last evaluated 2025-05-16.

Conditions:
Fanconi anemia (FA). Also called: Fanconi's anemia. Identifiers: Orphanet 84, MedGen C0015625, MeSH D005199, MONDO:0019391.
Inborn genetic diseases. Identifiers: MedGen C0950123, MeSH D030342.

Allele frequency attached by ClinVar (database versions not stated): gnomAD exomes below 0.00001.

Submissions (2):

Ambry Genetics
Classification: Uncertain significance for Inborn genetic diseases. Last evaluated: 2025-05-16. Review status: criteria provided, single submitter. Criteria: Ambry Variant Classification Scheme 2023. Collection method: clinical testing. Allele origin: germline.
Comment: The p.R710I variant (also known as c.2129G>T), located in coding exon 23 of the FANCA gene, results from a G to T substitution at nucleotide position 2129. The arginine at codon 710 is replaced by isoleucine, an amino acid with similar properties. This amino acid position is conserved. In addition, this alteration is predicted to be tolerated by in silico analysis. Based on the available evidence, the clinical significance of this variant remains unclear.

Labcorp Genetics (formerly Invitae), Labcorp
Classification: Uncertain significance for Fanconi anemia. Last evaluated: 2023-08-30. Review status: criteria provided, single submitter. Criteria: Invitae Variant Classification Sherloc (09022015). Collection method: clinical testing. Allele origin: germline.
Comment: In summary, the available evidence is currently insufficient to determine the role of this variant in disease. Therefore, it has been classified as a Variant of Uncertain Significance. Advanced modeling of protein sequence and biophysical properties (such as structural, functional, and spatial information, amino acid conservation, physicochemical variation, residue mobility, and thermodynamic stability) performed at Invitae indicates that this missense variant is not expected to disrupt FANCA protein function. ClinVar contains an entry for this variant (Variation ID: 850771). This variant has not been reported in the literature in individuals affected with FANCA-related conditions. This variant is not present in population databases (gnomAD no frequency). This sequence change replaces arginine, which is basic and polar, with isoleucine, which is neutral and non-polar, at codon 710 of the FANCA protein (p.Arg710Ile).

NM_000135.4(FANCA):c.2129G>T (p.Arg710Ile)

Gene: FANCA (FA complementation group A; minus strand). Cytogenetic location: 16q24.3.
Variant type: single nucleotide variant.
Coding change: c.2129G>T on transcript NM_000135.4 (MANE Select); coding-DNA position 2129, G replaced by T.
Protein change: p.Arg710Ile; replaces arginine 710 with isoleucine.
Molecular consequence: missense variant.
Genome position (GRCh38, 1-based): chr16:89,771,700, C>A on the plus strand (G>T on the coding strand, the complement: FANCA is on the minus strand). VCF-style: chr16-89771700-C-A. GRCh37 (hg19) VCF-style: chr16-89838108-C-A.
Other names: c.2129G>T, p.Arg710Ile (NM_001286167.3); short protein forms R710I.
Identifiers: ClinVar variation 850771 (VCV000850771.10), dbSNP rs2039331440, ClinGen allele CA397447997.
Genomic context (GRCh38, chr16:89,771,700, plus strand): 5'-TGAAGACCCCCTGCTTTGTTCTGAGCCCCTACACCTACCATGTGTTCCCGTGGCTCCAGT[C>A]TCGGCGTGTTGATGCTGAGCTGAATCTTTGATATCTCAACGCTGCTGTCATCCTCATTGT-3'
Protein context (NP_000126.2, residues 700-720): SKIQLSINTP[Arg710Ile]LEPREHMAVD